The following is an entry in ClinVar:

ClinVar aggregate classification (germline): Conflicting classifications of pathogenicity. Review status: criteria provided, conflicting classifications (1 of 4 stars). 6 submissions from 6 submitters: Pathogenic (1); Likely pathogenic (2); Uncertain significance (1). 2 of the submissions do not count toward it. Last evaluated 2025-07-29.

Conditions:
TTPA-related disorder. Also called: TTPA-related condition.
Familial isolated deficiency of vitamin E (AVED). Also called: ATAXIA, FRIEDREICH-LIKE, WITH SELECTIVE VITAMIN E DEFICIENCY; Ataxia with isolated vitamin E deficiency. Identifiers: Orphanet 96, MedGen C1848533, MONDO:0010188, OMIM 277460.

Allele frequency attached by ClinVar (database versions not stated): gnomAD 0.00001.

Submissions (6):

Natera, Inc.
Classification: Likely pathogenic for Ataxia with isolated vitamin E deficiency. Last evaluated: 2025-07-29. Review status: criteria provided, single submitter. Criteria: Natera Variant Classification Schema (03/2026). Collection method: clinical testing. Allele origin: germline.
Comment: The c.175C>T variant in TTPA is a missense variant predicted to cause substitution of arginine to tryptophan at amino acid 59. This variant is rare in the general population with a frequency below the threshold expected for the associated phenotype(s). This variant has been observed in one or more individuals affected with the associated recessive disease, as either homozygous or compound heterozygous with a second variant (PMID: 9463307, 17049453). This variant has been identified in one or more affected individuals with a phenotype highly consistent with the associated gene (PMID: 17049453). Functional studies show that this variant may disrupt protein function (PMID: 16819822). Computational prediction algorithms indicate this variant is likely to affect gene or protein function. Given the available evidence, this variant is classified as Likely Pathogenic.

Baylor Genetics
Classification: Pathogenic for Familial isolated deficiency of vitamin E. Last evaluated: 2022-10-18. Review status: criteria provided, single submitter. Criteria: ACMG Guidelines, 2015. Collection method: clinical testing. Allele origin: unknown.

Labcorp Genetics (formerly Invitae), Labcorp
Classification: Uncertain significance. Last evaluated: 2022-03-26. Review status: criteria provided, single submitter. Criteria: Invitae Variant Classification Sherloc (09022015). Collection method: clinical testing. Allele origin: germline.
Comment: This sequence change replaces arginine, which is basic and polar, with tryptophan, which is neutral and slightly polar, at codon 59 of the TTPA protein (p.Arg59Trp). The frequency data for this variant in the population databases is considered unreliable, as metrics indicate poor data quality at this position in the gnomAD database. This missense change has been observed in individuals with ataxia with vitamin E deficiency (PMID: 9463307, 17049453). ClinVar contains an entry for this variant (Variation ID: 65589). Algorithms developed to predict the effect of missense changes on protein structure and function are either unavailable or do not agree on the potential impact of this missense change (SIFT: "Deleterious"; PolyPhen-2: "Possibly Damaging"; Align-GVGD: "Class C0"). Experimental studies have shown that this missense change affects TTPA function (PMID: 15065857, 23599266). In summary, the available evidence is currently insufficient to determine the role of this variant in disease. Therefore, it has been classified as a Variant of Uncertain Significance.

Blueprint Genetics
Classification: Likely pathogenic for TTPA-related disorders. Last evaluated: 2021-10-21. Review status: criteria provided, single submitter. Criteria: ACMG Guidelines, 2015. Collection method: clinical testing. Allele origin: germline. Affected: yes. Observed: 4 variant alleles.

Counsyl
Classification: Uncertain significance for Familial isolated deficiency of vitamin E. Last evaluated: 2017-10-11. Review status: no assertion criteria provided. Collection method: clinical testing. Allele origin: unknown. Not counted in ClinVar's aggregate classification.

GeneReviews
No classification provided. Condition: Familial isolated deficiency of vitamin E. Review status: no classification provided. Collection method: literature only. Allele origin: unknown. Not counted in ClinVar's aggregate classification.

Literature cited by the submitters: PubMed 9463307 (cited by 3 submitters); PubMed 17049453 (cited by 3 submitters); PubMed 16819822 (cited by Natera, Inc.); PubMed 15065857 (cited by Labcorp Genetics (formerly Invitae), Labcorp and Counsyl); PubMed 23599266 (cited by Labcorp Genetics (formerly Invitae), Labcorp and Counsyl); PubMed 18458085 (cited by Counsyl); PubMed 23713716 (cited by Counsyl); PubMed 20301419 (cited by GeneReviews); NCBI Bookshelf NBK1241 (cited by GeneReviews).

NM_000370.3(TTPA):c.175C>T (p.Arg59Trp)

Gene: TTPA (alpha tocopherol transfer protein; minus strand). Cytogenetic location: 8q12.3.
Variant type: single nucleotide variant.
Coding change: c.175C>T on transcript NM_000370.3 (MANE Select); coding-DNA position 175, C replaced by T.
Protein change: p.Arg59Trp; replaces arginine 59 with tryptophan.
Molecular consequence: missense variant.
Genome position (GRCh38, 1-based): chr8:63,085,847, G>A on the plus strand (C>T on the coding strand, the complement: TTPA is on the minus strand). VCF-style: chr8-63085847-G-A. GRCh37 (hg19) VCF-style: chr8-63998406-G-A.
Other names: short protein forms R59W.
Identifiers: ClinVar variation 65589 (VCV000065589.9), dbSNP rs397515522, ClinGen allele CA344916.
Genomic context (GRCh38, chr8:63,085,847, plus strand): 5'-ACTGCCGAGCGCCCTGGGCACGCACGCTTACCCGCCAGGCCAGGTCCAGATCGAAATCCC[G>A]GGCGCGCAGGAACCGCAGCAGGAAGGAGTCGGTGAGCGGCAGCGGCGCGAGCGGGACGCC-3'
Protein context (NP_000361.1, residues 49-69): DSFLLRFLRA[Arg59Trp]DFDLDLAWRL